The following is an entry in ClinVar:

NM_025114.4(CEP290):c.2682dup (p.Ser895fs)

Gene: CEP290 (centrosomal protein 290; minus strand). Cytogenetic location: 12q21.32.
Variant type: Duplication.
Coding change: c.2682dup on transcript NM_025114.4 (MANE Select); coding-DNA position 2682, one base duplicated (A; older notation c.2682dupA).
Protein change: p.Ser895fs; shifts the reading frame from serine 895.
Molecular consequence: frameshift variant.
Genome position (GRCh38, 1-based): chr12:88,106,810, T duplicated on the plus strand (A on the coding strand, the reverse complement: CEP290 is on the minus strand); the first of 5 consecutive T bases (chr12:88,106,810-88,106,814); duplicating any one gives the same sequence. VCF-style (leftmost placement, unchanged base first): chr12-88106809-A-AT. GRCh37 (hg19) VCF-style: chr12-88500586-A-AT.
Other names: short protein forms S895fs.
Identifiers: ClinVar variation 546718 (VCV000546718.45), dbSNP rs1555216730, ClinGen allele CA658823442.

ClinVar aggregate classification (germline): Pathogenic/Likely pathogenic. Review status: criteria provided, multiple submitters, no conflicts (2 of 4 stars). 3 submissions from 3 submitters: Pathogenic (2); Likely pathogenic (1). Last evaluated 2025-10-15.

Conditions:
CEP290-related ciliopathy. Also called: CEP290 ciliopathy. Identifiers: MedGen CN305601, MONDO:0100451.
Retinitis pigmentosa (RP). Identifiers: Orphanet 791, MedGen C0035334, MeSH D012174, MONDO:0019200, OMIM 268000. Inheritance: Autosomal dominant, autosomal recessive and X linked inheritance.

Submissions (3):

Myriad Genetics, Inc.
Classification: Pathogenic for CEP290-related ciliopathy. Last evaluated: 2025-10-15. Review status: criteria provided, single submitter. Criteria: Myriad Autosomal Dominant, Autosomal Recessive and X-Linked Classification Criteria (2023). Collection method: clinical testing. Allele origin: unknown.
Comment: NM_025114.3(CEP290):c.2682dupA(S895Ifs*17) is expected to be pathogenic in the context of CEP290-related disorders. This variant is predicted to lead to an abnormal or absent protein product due to the creation of a premature termination codon in CEP290, a gene where loss-of-function variants are known to be pathogenic. Please note: this variant was assessed in the context of healthy population screening.

Molecular Genetics Laboratory, Institute for Ophthalmic Research
Classification: Pathogenic for Retinitis pigmentosa. Last evaluated: 2020-01-09. Review status: criteria provided, single submitter. Criteria: ACMG Guidelines, 2015. Collection method: research. Allele origin: germline. Affected: yes.

CeGaT Center for Human Genetics Tuebingen
Classification: Likely pathogenic. Last evaluated: 2017-11-01. Review status: criteria provided, single submitter. Criteria: CeGaT Center For Human Genetics Tuebingen Variant Classification Criteria Version 2. Collection method: clinical testing. Allele origin: germline. Affected: yes. Observed: 1 variant allele.